The following is an entry in ClinVar:

NC_000002.11:g.(?_231033840)_(234978657_?)dup

Genes: CAB39 (calcium binding protein 39; plus strand), CHRND (cholinergic receptor nicotinic delta subunit; plus strand), TRPM8 (transient receptor potential cation channel subfamily M member 8; plus strand), UGT1A1 (UDP glucuronosyltransferase family 1 member A1; plus strand), UGT1A3 (UDP glucuronosyltransferase family 1 member A3; plus strand) and 51 more. Cytogenetic location: 2q37.1.
Variant type: Duplication.
Identifiers: ClinVar variation 1374168 (VCV001374168.5).

ClinVar aggregate classification (germline): Uncertain significance. Review status: criteria provided, single submitter (1 of 4 stars). 2 submissions from 1 submitter: Uncertain significance (2). Last evaluated 2022-09-19.

Conditions:
Perlman syndrome (PRLMNS). Identifiers: Orphanet 2849, MedGen C0796113, MONDO:0009965, OMIM 267000.
Joubert syndrome 22 (JBTS22). Identifiers: Orphanet 2754, MedGen C3810278, MONDO:0014297, OMIM 615665.

Submissions (2):

Labcorp Genetics (formerly Invitae), Labcorp
Classification: Uncertain significance for Joubert syndrome 22. Last evaluated: 2022-09-19. Review status: criteria provided, single submitter. Criteria: Invitae Variant Classification Sherloc (09022015). Collection method: clinical testing. Allele origin: germline.
Comment: In summary, the available evidence is currently insufficient to determine the role of this variant in disease. Therefore, it has been classified as a Variant of Uncertain Significance. This variant has not been reported in the literature in individuals affected with PDE6D-related conditions. A copy number gain of the genomic region encompassing the full coding sequence of the PDE6D gene has been identified. The boundaries of this event are unknown as they extend beyond the assayed region for this gene and therefore may encompass additional genes. As the precise location of this event is unknown, it may be in tandem or it may be located elsewhere in the genome.

Labcorp Genetics (formerly Invitae), Labcorp
Classification: Uncertain significance for Perlman syndrome. Last evaluated: 2022-09-19. Review status: criteria provided, single submitter. Criteria: Invitae Variant Classification Sherloc (09022015). Collection method: clinical testing. Allele origin: germline.
Comment: In summary, the available evidence is currently insufficient to determine the role of this variant in disease. Therefore, it has been classified as a Variant of Uncertain Significance. This variant has not been reported in the literature in individuals affected with DIS3L2-related conditions. A copy number gain of the genomic region encompassing the full coding sequence of the DIS3L2 gene has been identified. The boundaries of this event are unknown as they extend beyond the assayed region for this gene and therefore may encompass additional genes. As the precise location of this event is unknown, it may be in tandem or it may be located elsewhere in the genome.